The following is an entry in ClinVar:

ClinVar aggregate classification (germline): Conflicting classifications of pathogenicity. Review status: criteria provided, conflicting classifications (1 of 4 stars). 2 submissions from 2 submitters: Uncertain significance (1); Likely benign (1). Last evaluated 2025-08-05.

Conditions:
Granulomatous disease, chronic, autosomal recessive, cytochrome b-positive, type 3. Also called: Granulomatous disease, chronic, autosomal recessive, cytochrome b-positive, type III; GRANULOMATOUS DISEASE, CHRONIC, DUE TO NCF4 DEFICIENCY; GRANULOMATOUS DISEASE, CHRONIC, AUTOSOMAL RECESSIVE, 3; CGD, AUTOSOMAL RECESSIVE CYTOCHROME b-POSITIVE, TYPE III. Identifiers: Orphanet 379, MedGen C3151409, MONDO:0013507, OMIM 613960.

Allele frequency attached by ClinVar (database versions not stated): gnomAD exomes 0.00003 and 0.00007; ExAC 0.00008.
gnomAD v4.1: 50 of 1,613,840 alleles (0.0031%); highest among the groups gnomAD compares: East Asian, 0.067%; 1 homozygote.

Submissions (2):

Ambry Genetics
Classification: Likely benign. Last evaluated: 2025-08-05. Review status: criteria provided, single submitter. Criteria: Ambry Variant Classification Scheme 2023. Collection method: clinical testing. Allele origin: germline.

Labcorp Genetics (formerly Invitae), Labcorp
Classification: Uncertain significance for Granulomatous disease, chronic, autosomal recessive, cytochrome b-positive, type 3. Last evaluated: 2021-10-05. Review status: criteria provided, single submitter. Criteria: Invitae Variant Classification Sherloc (09022015). Collection method: clinical testing. Allele origin: germline.
Comment: This sequence change replaces serine with asparagine at codon 115 of the NCF4 protein (p.Ser115Asn). The serine residue is weakly conserved and there is a small physicochemical difference between serine and asparagine. This variant is present in population databases (rs567656365, ExAC 0.1%). This variant has not been reported in the literature in individuals affected with NCF4-related conditions. Algorithms developed to predict the effect of missense changes on protein structure and function output the following: SIFT: "Tolerated"; PolyPhen-2: "Benign"; Align-GVGD: "Class C0". The asparagine amino acid residue is found in multiple mammalian species, which suggests that this missense change does not adversely affect protein function. In summary, the available evidence is currently insufficient to determine the role of this variant in disease. Therefore, it has been classified as a Variant of Uncertain Significance.

NM_000631.5(NCF4):c.344G>A (p.Ser115Asn)

Genes: NCF4 (neutrophil cytosolic factor 4; plus strand), NCF4-AS1 (NCF4 antisense RNA 1; minus strand). Cytogenetic location: 22q12.3.
Variant type: single nucleotide variant.
Coding change: c.344G>A on transcript NM_000631.5 (MANE Select); coding-DNA position 344, G replaced by A.
Protein change: p.Ser115Asn; replaces serine 115 with asparagine.
Molecular consequence: missense variant. On other transcripts: non-coding transcript variant (1).
Genome position (GRCh38, 1-based): chr22:36,870,416, G>A. VCF-style: chr22-36870416-G-A. GRCh37 (hg19) VCF-style: chr22-37266458-G-A.
Other names: c.344G>A, p.Ser115Asn (NM_013416.4); c.344G>A (NM_013416.3); short protein forms S115N.
Identifiers: ClinVar variation 1432872 (VCV001432872.4), dbSNP rs567656365, ClinGen allele CA10212967.